The following is an entry in ClinVar:

ClinVar aggregate classification (germline): Uncertain significance. Review status: criteria provided, single submitter (1 of 4 stars). 2 submissions from 2 submitters: Uncertain significance (1). 1 of the submissions does not count toward it. Last evaluated 2024-08-07.

Conditions:
Dyskeratosis congenita, autosomal recessive 5 (DKCB5). Identifiers: MedGen C3554656, MONDO:0014076, OMIM 615190.

Allele frequency attached by ClinVar (database versions not stated): gnomAD 0.00003; TOPMed 0.00003; gnomAD exomes 0.00005; ExAC 0.00010.

Submissions (2):

Labcorp Genetics (formerly Invitae), Labcorp
Classification: Uncertain significance. Last evaluated: 2024-08-07. Review status: criteria provided, single submitter. Criteria: Invitae Variant Classification Sherloc (09022015). Collection method: clinical testing. Allele origin: germline.
Comment: This sequence change replaces arginine, which is basic and polar, with cysteine, which is neutral and slightly polar, at codon 281 of the TNFRSF6B protein (p.Arg281Cys). The frequency data for this variant in the population databases is considered unreliable, as metrics indicate poor data quality at this position in the gnomAD database. This variant has not been reported in the literature in individuals affected with TNFRSF6B-related conditions. ClinVar contains an entry for this variant (Variation ID: 550441). An algorithm developed to predict the effect of missense changes on protein structure and function (PolyPhen-2) suggests that this variant is likely to be disruptive. In summary, the available evidence is currently insufficient to determine the role of this variant in disease. Therefore, it has been classified as a Variant of Uncertain Significance.

Counsyl
Classification: Uncertain significance for Dyskeratosis congenita, autosomal recessive 5. Last evaluated: 2017-01-30. Review status: no assertion criteria provided. Collection method: clinical testing. Allele origin: unknown. Not counted in ClinVar's aggregate classification.

NM_003823.4(TNFRSF6B):c.841C>T (p.Arg281Cys)

Genes: RTEL1 (regulator of telomere elongation helicase 1; plus strand), RTEL1-TNFRSF6B (RTEL1-TNFRSF6B readthrough (NMD candidate); plus strand), TNFRSF6B (TNF receptor superfamily member 6b; plus strand). Cytogenetic location: 20q13.33.
Variant type: single nucleotide variant.
Coding change: c.841C>T on transcript NM_003823.4 (MANE Select); coding-DNA position 841, C replaced by T.
Protein change: p.Arg281Cys; replaces arginine 281 with cysteine.
Molecular consequence: missense variant. On other transcripts: non-coding transcript variant (1).
Genome position (GRCh38, 1-based): chr20:63,698,501, C>T. VCF-style: chr20-63698501-C-T. GRCh37 (hg19) VCF-style: chr20-62329854-C-T.
Other names: short protein forms R281C.
Identifiers: ClinVar variation 550441 (VCV000550441.4), dbSNP rs768195916, ClinGen allele CA9966640.